The following is an entry in ClinVar:

NM_001312909.2(FAM111A):c.1119T>G (p.Phe373Leu)

Gene: FAM111A (FAM111 trypsin like peptidase A; plus strand). Cytogenetic location: 11q12.1.
Variant type: single nucleotide variant.
Coding change: c.1119T>G on transcript NM_001312909.2 (MANE Select); coding-DNA position 1119, T replaced by G.
Protein change: p.Phe373Leu; replaces phenylalanine 373 with leucine.
Molecular consequence: missense variant.
Genome position (GRCh38, 1-based): chr11:59,152,787, T>G. VCF-style: chr11-59152787-T-G. GRCh37 (hg19) VCF-style: chr11-58920260-T-G.
Other names: c.1119T>G, p.Phe373Leu (NM_001142519.3, NM_001142520.3, NM_001142521.3 and 29 more transcripts); short protein forms F373L.
Identifiers: ClinVar variation 2629230 (VCV002629230.1), dbSNP rs901891770, ClinGen allele CA223177844.
Genomic context (GRCh38, chr11:59,152,787, plus strand): 5'-CAGTGACTCAGTTGGGTACTTATTCTGGGACAGTGCAACTACGGGTTACGCCACCTGCTT[T>G]GTTTTTAAAGGATTGTTCATTTTAACTTGTCGGCATGTAATAGATAGCATTGTGGGAGAC-3'
Protein context (NP_001299838.1, residues 363-383): DSATTGYATC[Phe373Leu]VFKGLFILTC

ClinVar aggregate classification (germline): Uncertain significance (1 of 4 stars; one submission).

Conditions:
FAM111A-related disorder. Also called: FAM111A-related condition.

Allele frequency attached by ClinVar (database versions not stated): gnomAD exomes below 0.00001; TOPMed 0.00001.
gnomAD v4.1: 5 of 1,614,214 alleles (0.00031%); highest among the groups gnomAD compares: Middle Eastern, 0.016%; no homozygotes.

Submission:

PreventionGenetics, part of Exact Sciences
Classification: Uncertain significance for FAM111A-related condition. Last evaluated: 2022-12-30. Review status: criteria provided, single submitter. Criteria: ACMG Guidelines, 2015. Collection method: clinical testing. Allele origin: germline.
Comment: The FAM111A c.1119T>G variant is predicted to result in the amino acid substitution p.Phe373Leu. To our knowledge, this variant has not been reported in the literature or in a large population database, indicating this variant is rare. At this time, the clinical significance of this variant is uncertain due to the absence of conclusive functional and genetic evidence.